The following is an entry in ClinVar:

ClinVar aggregate classification (germline): Uncertain significance. Review status: criteria provided, multiple submitters, no conflicts (2 of 4 stars). 3 submissions from 3 submitters: Uncertain significance (3). Last evaluated 2025-08-04.

Conditions:
Tumoral calcinosis, hyperphosphatemic, familial, 3. Identifiers: MedGen C4693864, MONDO:0060715, OMIM 617994.

Allele frequency attached by ClinVar (database versions not stated): ExAC 0.00001; gnomAD 0.00003 and 0.00004; gnomAD exomes 0.00004 and 0.00007; TOPMed 0.00004.
gnomAD v4.1: 98 of 1,593,068 alleles (0.0062%); highest among the groups gnomAD compares: Non-Finnish European, 0.008%; no homozygotes.

Submissions (3):

Labcorp Genetics (formerly Invitae), Labcorp
Classification: Uncertain significance. Last evaluated: 2025-08-04. Review status: criteria provided, single submitter. Criteria: Invitae Variant Classification Sherloc (09022015). Collection method: clinical testing. Allele origin: germline.
Comment: This sequence change replaces proline, which is neutral and non-polar, with leucine, which is neutral and non-polar, at codon 187 of the KL protein (p.Pro187Leu). This variant is present in population databases (rs761695698, gnomAD 0.009%). This missense change has been observed in individual(s) with pseudoxanthoma elasticum and hypogonadotropic hypogonadism (PMID: 34906475, 36268624). ClinVar contains an entry for this variant (Variation ID: 311685). Invitae Evidence Modeling of protein sequence and biophysical properties (such as structural, functional, and spatial information, amino acid conservation, physicochemical variation, residue mobility, and thermodynamic stability) indicates that this missense variant is expected to disrupt KL protein function with a positive predictive value of 80%. In summary, the available evidence is currently insufficient to determine the role of this variant in disease. Therefore, it has been classified as a Variant of Uncertain Significance.

Fulgent Genetics
Classification: Uncertain significance for Tumoral calcinosis, hyperphosphatemic, familial, 3. Last evaluated: 2021-12-17. Review status: criteria provided, single submitter. Criteria: ACMG Guidelines, 2015. Collection method: clinical testing. Allele origin: unknown.

Illumina Laboratory Services, Illumina
Classification: Uncertain significance for Tumoral calcinosis, hyperphosphatemic, familial, 3. Last evaluated: 2018-01-12. Review status: criteria provided, single submitter. Criteria: ICSL Variant Classification Criteria 13 December 2019. Collection method: clinical testing. Allele origin: germline.

Literature cited by the submitters: PubMed 34906475 (cited by Labcorp Genetics (formerly Invitae), Labcorp); PubMed 36268624 (cited by Labcorp Genetics (formerly Invitae), Labcorp).

NM_004795.4(KL):c.560C>T (p.Pro187Leu)

Gene: KL (klotho; plus strand). Cytogenetic location: 13q13.1.
Variant type: single nucleotide variant.
Coding change: c.560C>T on transcript NM_004795.4 (MANE Select); coding-DNA position 560, C replaced by T.
Protein change: p.Pro187Leu; replaces proline 187 with leucine.
Molecular consequence: missense variant.
Genome position (GRCh38, 1-based): chr13:33,017,000, C>T. VCF-style: chr13-33017000-C-T. GRCh37 (hg19) VCF-style: chr13-33591138-C-T.
Other names: short protein forms P187L.
Identifiers: ClinVar variation 311685 (VCV000311685.9), dbSNP rs761695698, ClinGen allele CA6943917.